The following is an entry in ClinVar:

NM_003611.3(OFD1):c.1117_1121del (p.Arg373fs)

Gene: OFD1 (OFD1 centriole and centriolar satellite protein; plus strand). Cytogenetic location: Xp22.2.
Variant type: Deletion.
Coding change: c.1117_1121del on transcript NM_003611.3 (MANE Select); coding-DNA positions 1117 to 1121, 5 bases deleted (AGGAA; older notation c.1117_1121delAGGAA).
Protein change: p.Arg373fs; shifts the reading frame from arginine 373.
Molecular consequence: frameshift variant.
Genome position (GRCh38, 1-based): chrX:13,753,429-13,753,433, AGGAA deleted; deleting any 5 consecutive bases within chrX:13,753,426-13,753,433 gives the same sequence; the c. name uses the placement nearest the transcript's 3' end. VCF-style (leftmost placement, unchanged base first): chrX-13753425-TGAAAG-T. GRCh37 (hg19) VCF-style: chrX-13771544-TGAAAG-T.
Other names: c.997_1001del, p.Arg333fs (NM_001330209.2); c.697_701del, p.Arg233fs (NM_001330210.2); short protein forms R233fs, R373fs, R333fs.
Identifiers: ClinVar variation 1796429 (VCV001796429.4), dbSNP rs2518886212, ClinGen allele CA2580100354.
Genomic context (GRCh38, chrX:13,753,425, plus strand): 5'-CAGGTATCAACTTGAACTGAAGGATGACTACATCATTAGAACTAATCGACTGATTGAAGA[TGAAAG>T]GAAGAATAAAGGTGATGTTTGGGGGGAAAATAAGCTGTATTTTTCAGTTCTGCTGTAGGT-3'

ClinVar aggregate classification (germline): Pathogenic. Review status: criteria provided, multiple submitters, no conflicts (2 of 4 stars). 2 submissions from 2 submitters: Pathogenic (2). Last evaluated 2024-01-31.

Conditions:
Primary ciliary dyskinesia. Also called: Ciliary dyskinesia. Identifiers: Orphanet 244, MedGen C0008780, MONDO:0016575, HP:0012265.
Joubert syndrome. Also called: JOUBERT-BOLTSHAUSER SYNDROME; Familial aplasia of the vermis. Identifiers: Orphanet 475, MedGen C5979921, MONDO:0018772.
Orofaciodigital syndrome I (OFD1). Also called: OFDS I; Papillon-Leage and Psaume Syndrome; Oral-Facial-Digital Syndrome Type I. Identifiers: Orphanet 2750, MedGen C1510460, MONDO:0010702, OMIM 311200.

Submissions (2):

Labcorp Genetics (formerly Invitae), Labcorp
Classification: Pathogenic for Orofaciodigital syndrome I; Joubert syndrome. Last evaluated: 2024-01-31. Review status: criteria provided, single submitter. Criteria: Invitae Variant Classification Sherloc (09022015). Collection method: clinical testing. Allele origin: germline.
Comment: This sequence change creates a premature translational stop signal (p.Arg373Glufs*2) in the OFD1 gene. It is expected to result in an absent or disrupted protein product. Loss-of-function variants in OFD1 are known to be pathogenic (PMID: 16783569, 18546297, 27081566). This variant is not present in population databases (gnomAD no frequency). This premature translational stop signal has been observed in individual(s) with nephronophthisis (PMID: 35140360). ClinVar contains an entry for this variant (Variation ID: 1796429). For these reasons, this variant has been classified as Pathogenic.

Ambry Genetics
Classification: Pathogenic for Primary ciliary dyskinesia. Last evaluated: 2017-04-07. Review status: criteria provided, single submitter. Criteria: Ambry Variant Classification Scheme 2023. Collection method: clinical testing. Allele origin: germline.
Comment: The c.1117_1121delAGGAA pathogenic mutation, located in coding exon 11 of the OFD1 gene, results from a deletion of 5 nucleotides at nucleotide positions 1117 to 1121, causing a translational frameshift with a predicted alternate stop codon (p.R373Efs*2). This alteration is expected to result in loss of function by premature protein truncation or nonsense-mediated mRNA decay. As such, this alteration is interpreted as a disease-causing mutation.

Literature cited by the submitters: PubMed 16783569 (cited by Labcorp Genetics (formerly Invitae), Labcorp); PubMed 18546297 (cited by Labcorp Genetics (formerly Invitae), Labcorp); PubMed 27081566 (cited by Labcorp Genetics (formerly Invitae), Labcorp); PubMed 35140360 (cited by Labcorp Genetics (formerly Invitae), Labcorp).